The following is an entry in ClinVar:

NM_003611.3(OFD1):c.1196C>T (p.Ser399Phe)

Gene: OFD1 (OFD1 centriole and centriolar satellite protein; plus strand). Cytogenetic location: Xp22.2.
Variant type: single nucleotide variant.
Coding change: c.1196C>T on transcript NM_003611.3 (MANE Select); coding-DNA position 1196, C replaced by T.
Protein change: p.Ser399Phe; replaces serine 399 with phenylalanine.
Molecular consequence: missense variant.
Genome position (GRCh38, 1-based): chrX:13,755,217, C>T. VCF-style: chrX-13755217-C-T. GRCh37 (hg19) VCF-style: chrX-13773336-C-T.
Other names: c.1076C>T, p.Ser359Phe (NM_001330209.2); c.776C>T, p.Ser259Phe (NM_001330210.2); short protein forms S259F, S359F, S399F.
Identifiers: ClinVar variation 1746061 (VCV001746061.3), dbSNP rs748851759, ClinGen allele CA10351778.

ClinVar aggregate classification (germline): Uncertain significance. Review status: criteria provided, multiple submitters, no conflicts (2 of 4 stars). 2 submissions from 2 submitters: Uncertain significance (2). Last evaluated 2025-06-04.

Conditions:
Joubert syndrome. Also called: JOUBERT-BOLTSHAUSER SYNDROME; Familial aplasia of the vermis. Identifiers: Orphanet 475, MedGen C5979921, MONDO:0018772.
Orofaciodigital syndrome I (OFD1). Also called: OFDS I; Papillon-Leage and Psaume Syndrome; Oral-Facial-Digital Syndrome Type I. Identifiers: Orphanet 2750, MedGen C1510460, MONDO:0010702, OMIM 311200.
Primary ciliary dyskinesia. Also called: Ciliary dyskinesia. Identifiers: Orphanet 244, MedGen C0008780, MONDO:0016575, HP:0012265.

Allele frequency attached by ClinVar (database versions not stated): ExAC 0.00001; TOPMed 0.00001; gnomAD 0.00002.
gnomAD v4.1: 8 of 1,195,184 alleles (0.00067%); highest among the groups gnomAD compares: Non-Finnish European, 0.00091%; no homozygotes.

Submissions (2):

Labcorp Genetics (formerly Invitae), Labcorp
Classification: Uncertain significance for Orofaciodigital syndrome I; Joubert syndrome. Last evaluated: 2025-06-04. Review status: criteria provided, single submitter. Criteria: Invitae Variant Classification Sherloc (09022015). Collection method: clinical testing. Allele origin: germline.
Comment: This sequence change replaces serine, which is neutral and polar, with phenylalanine, which is neutral and non-polar, at codon 399 of the OFD1 protein (p.Ser399Phe). This variant is present in population databases (rs748851759, gnomAD 0.001%). This variant has not been reported in the literature in individuals affected with OFD1-related conditions. ClinVar contains an entry for this variant (Variation ID: 1746061). Invitae Evidence Modeling of protein sequence and biophysical properties (such as structural, functional, and spatial information, amino acid conservation, physicochemical variation, residue mobility, and thermodynamic stability) indicates that this missense variant is not expected to disrupt OFD1 protein function with a negative predictive value of 80%. In summary, the available evidence is currently insufficient to determine the role of this variant in disease. Therefore, it has been classified as a Variant of Uncertain Significance.

Ambry Genetics
Classification: Uncertain significance for Primary ciliary dyskinesia. Last evaluated: 2021-06-18. Review status: criteria provided, single submitter. Criteria: Ambry Variant Classification Scheme 2023. Collection method: clinical testing. Allele origin: germline.